The following is an entry in ClinVar:

NM_000155.4(GALT):c.413C>G (p.Thr138Arg)

Gene: GALT (galactose-1-phosphate uridylyltransferase; plus strand). Cytogenetic location: 9p13.3.
Variant type: single nucleotide variant.
Coding change: c.413C>G on transcript NM_000155.4 (MANE Select); coding-DNA position 413, C replaced by G.
Protein change: p.Thr138Arg; replaces threonine 138 with arginine.
Molecular consequence: missense variant.
Genome position (GRCh38, 1-based): chr9:34,647,867, C>G. VCF-style: chr9-34647867-C-G. GRCh37 (hg19) VCF-style: chr9-34647864-C-G.
Other names: p.Thr138Arg; c.86C>G, p.Thr29Arg (NM_001258332.2); short protein forms T138R, T29R.
Identifiers: ClinVar variation 633233 (VCV000633233.10), dbSNP rs111033686, ClinGen allele CA373280702.
Genomic context (GRCh38, chr9:34,647,867, plus strand): 5'-TATCTTTTCTCCCGTCACCACCCAGTAAGGTCATGTGCTTCCACCCCTGGTCGGATGTAA[C>G]GCTGCCACTCATGTCGGTCCCTGAGATCCGGGCTGTTGTTGATGCATGGGCCTCAGTCAC-3'
Protein context (NP_000146.2, residues 128-148): VMCFHPWSDV[Thr138Arg]LPLMSVPEIR

ClinVar aggregate classification (germline): Conflicting classifications of pathogenicity. Review status: criteria provided, conflicting classifications (1 of 4 stars). 4 submissions from 4 submitters: Likely pathogenic (2); Uncertain significance (1). 1 of the submissions does not count toward it. Last evaluated 2025-11-06.

Conditions:
Galactosemia. Also called: Galactose intolerance. Identifiers: Orphanet 352, MedGen C0016952, MONDO:0018116, HP:0004919. Disease mechanism: loss of function.
Deficiency of UDPglucose-hexose-1-phosphate uridylyltransferase. Also called: GALACTOSEMIA I; Transferase Deficiency Galactosemia; GALACTOSE-1-PHOSPHATE URIDYLYLTRANSFERASE DEFICIENCY; GALT deficiency; Galactosemia, classic. Identifiers: Orphanet 352, Orphanet 79239, MedGen C0268151, MONDO:0009258, OMIM 230400.

gnomAD v4.1: 1 of 1,614,192 alleles (0.000062%); highest among the groups gnomAD compares: Admixed American, 0.0017%; no homozygotes.

Submissions (4):

Labcorp Genetics (formerly Invitae), Labcorp
Classification: Likely pathogenic for Deficiency of UDPglucose-hexose-1-phosphate uridylyltransferase. Last evaluated: 2025-11-06. Review status: criteria provided, single submitter. Criteria: Invitae Variant Classification Sherloc (09022015). Collection method: clinical testing. Allele origin: germline.
Comment: This sequence change replaces threonine, which is neutral and polar, with arginine, which is basic and polar, at codon 138 of the GALT protein (p.Thr138Arg). This variant is not present in population databases (gnomAD no frequency). This variant has not been reported in the literature in individuals affected with GALT-related conditions. ClinVar contains an entry for this variant (Variation ID: 633233). Invitae Evidence Modeling of protein sequence and biophysical properties (such as structural, functional, and spatial information, amino acid conservation, physicochemical variation, residue mobility, and thermodynamic stability) indicates that this missense variant is expected to disrupt GALT protein function with a positive predictive value of 80%. Algorithms developed to predict the effect of sequence changes on RNA splicing suggest that this variant may disrupt the consensus splice site. This variant disrupts the p.Thr138 amino acid residue in GALT. Other variant(s) that disrupt this residue have been determined to be pathogenic (PMID: 7887416, 8741038, 11397328, 11754113, 22743281, 22944367). This suggests that this residue is clinically significant, and that variants that disrupt this residue are likely to be disease-causing. In summary, the currently available evidence indicates that the variant is pathogenic, but additional data are needed to prove that conclusively. Therefore, this variant has been classified as Likely Pathogenic.

Women's Health and Genetics/Laboratory Corporation of America, LabCorp
Classification: Uncertain significance. Last evaluated: 2025-07-25. Review status: criteria provided, single submitter. Criteria: LabCorp Variant Classification Summary - May 2015. Collection method: clinical testing. Allele origin: germline.
Comment: Variant summary: GALT c.413C>G (p.Thr138Arg) results in a non-conservative amino acid change located in the Galactose-1-phosphate uridyl transferase, N-terminal (IPR005849) of the encoded protein sequence. Algorithms developed to predict the effect of missense changes on protein structure and function all suggest that this variant is likely to be disruptive. The variant was absent in 251494 control chromosomes. The available data on variant occurrences in the general population are insufficient to allow any conclusion about variant significance. To our knowledge, no occurrence of c.413C>G in individuals affected with Galactosemia and no experimental evidence demonstrating its impact on protein function have been reported. ClinVar contains an entry for this variant (Variation ID: 633233). Based on the evidence outlined above, the variant was classified as uncertain significance.

Mayo Clinic Laboratories, Mayo Clinic
Classification: Likely pathogenic. Last evaluated: 2023-08-07. Review status: criteria provided, single submitter. Criteria: ACMG Guidelines, 2015. Collection method: clinical testing. Allele origin: germline. Observed: 1 variant allele.
Comment: PP3, PP4, PM2_moderate, PM5

Natera, Inc.
Classification: Uncertain significance for Galactosemia. Last evaluated: 2020-09-16. Review status: no assertion criteria provided. Collection method: clinical testing. Allele origin: germline. Not counted in ClinVar's aggregate classification.

Literature cited by the submitters: PubMed 7887416 (cited by Labcorp Genetics (formerly Invitae), Labcorp); PubMed 8741038 (cited by Labcorp Genetics (formerly Invitae), Labcorp); PubMed 11397328 (cited by Labcorp Genetics (formerly Invitae), Labcorp); PubMed 11754113 (cited by Labcorp Genetics (formerly Invitae), Labcorp); PubMed 22743281 (cited by Labcorp Genetics (formerly Invitae), Labcorp); PubMed 22944367 (cited by Labcorp Genetics (formerly Invitae), Labcorp).